The following is an entry in ClinVar:

NM_001009944.3(PKD1):c.8017-11G>A

Gene: PKD1 (polycystin 1, transient receptor potential channel interacting; minus strand). Cytogenetic location: 16p13.3.
Variant type: single nucleotide variant.
Coding change: c.8017-11G>A on transcript NM_001009944.3 (MANE Select); 11 bases into the intron before coding-DNA position 8017, G replaced by A.
Molecular consequence: intron variant.
Genome position (GRCh38, 1-based): chr16:2,104,653, C>T on the plus strand (G>A on the coding strand, the complement: PKD1 is on the minus strand). VCF-style: chr16-2104653-C-T. GRCh37 (hg19) VCF-style: chr16-2154654-C-T.
Other names: c.8017-11G>A (NM_000296.4).
Identifiers: ClinVar variation 997146 (VCV000997146.1), dbSNP rs2092264285, ClinGen allele CA2202027430.

ClinVar aggregate classification (germline): Uncertain significance (0 of 4 stars; one submission).

Conditions:
Polycystic kidney disease. Also called: Polycystic kidney dysplasia; Kidney, Polycystic. Identifiers: MedGen C0022680, MeSH D007690, MONDO:0020642, HP:0000113.

Submission:

Department of Pathology and Laboratory Medicine, Sinai Health System
Classification: Uncertain significance for Polycystic Kidney disease. Review status: no assertion criteria provided. Collection method: clinical testing. Allele origin: unknown. Affected: yes. Study: The Canadian Open Genetics Repository (COGR).
Comment: The PKD1 c.8017-11G>A variant was not identified in the literature nor was it identified in the dbSNP, ClinVar, LOVD 3.0, ADPKD Mutation Database, or PKD1-LOVD, databases. The variant was not identified in the following control databases: the Exome Aggregation Consortium (August 8th 2016), or the Genome Aggregation Database (Feb 27, 2017). The c.8017-11G>A variant is located in the 3' splice region but does not affect the invariant -1 and -2 positions. However, positions -3 and -5 to -12 are part of the splicing consensus sequence and variants involving these positions sometimes affect splicing. However, in silico or computational prediction software programs (SpliceSiteFinder, MaxEntScan, NNSPLICE, GeneSplicer) do not predict a difference in splicing. In summary, based on the above information the clinical significance of this variant cannot be determined with certainty at this time. This variant is classified as a variant of uncertain significance.